The following is an entry in ClinVar:

NM_172107.4(KCNQ2):c.1966del (p.Glu656fs)

Gene: KCNQ2 (potassium voltage-gated channel subfamily Q member 2; minus strand). Cytogenetic location: 20q13.33.
Variant type: Deletion.
Coding change: c.1966del on transcript NM_172107.4 (MANE Select); coding-DNA position 1966, one base deleted (G; older notation c.1966delG).
Protein change: p.Glu656fs; shifts the reading frame from glutamic acid 656.
Molecular consequence: frameshift variant.
Genome position (GRCh38, 1-based): chr20:63,407,297, C deleted on the plus strand (G on the coding strand, the reverse complement: KCNQ2 is on the minus strand). VCF-style (leftmost placement, unchanged base first): chr20-63407296-TC-T. GRCh37 (hg19) VCF-style: chr20-62038649-TC-T.
Other names: c.2020del, p.Glu674fs (NM_001382235.1); c.1882del, p.Glu628fs (NM_004518.6); c.1912del, p.Glu638fs (NM_172106.3); c.1873del, p.Glu625fs (NM_172108.5); short protein forms E625fs, E628fs, E638fs, E656fs, E674fs.
Identifiers: ClinVar variation 1071234 (VCV001071234.10), dbSNP rs2145488506, ClinGen allele CA2499225802.

ClinVar aggregate classification (germline): Pathogenic (1 of 4 stars; one submission).

Conditions:
Early-infantile DEE. Also called: Ohtahara syndrome; Early infantile epileptic encephalopathy with suppression bursts; Early infantile epileptic encephalopathy. Identifiers: Orphanet 1934, MedGen C0393706, MONDO:0800491.

Submission:

Labcorp Genetics (formerly Invitae), Labcorp
Classification: Pathogenic for Early-infantile DEE. Last evaluated: 2022-08-09. Review status: criteria provided, single submitter. Criteria: Invitae Variant Classification Sherloc (09022015). Collection method: clinical testing. Allele origin: germline.
Comment: This sequence change results in a frameshift in the KCNQ2 gene (p.Glu656Argfs*274). While this is not anticipated to result in nonsense mediated decay, it is expected to disrupt the last 217 amino acid(s) of the KCNQ2 protein and extend the protein by 56 additional amino acid residues. This variant is not present in population databases (gnomAD no frequency). This variant has not been reported in the literature in individuals affected with KCNQ2-related conditions. ClinVar contains an entry for this variant (Variation ID: 1071234). This variant results in an extension of the KCNQ2 protein. Other variant(s) that result in a similarly extended protein product (p.Val690Cysfs*240) have been determined to be pathogenic (Invitae). This suggests that these extensions are likely to be disease-causing. For these reasons, this variant has been classified as Pathogenic.